The following is an entry in ClinVar:

ClinVar aggregate classification (germline): Uncertain significance (1 of 4 stars; one submission).

Conditions:
Lymphoproliferative syndrome 1 (LPFS1). Identifiers: Orphanet 238505, Orphanet 538963, MedGen C3552634, MONDO:0013081, OMIM 613011.

Allele frequency attached by ClinVar (database versions not stated): gnomAD exomes below 0.00001 and 0.00001; ExAC 0.00002; gnomAD 0.00004; TOPMed 0.00004.
gnomAD v4.1: 9 of 1,613,832 alleles (0.00056%); highest among the groups gnomAD compares: African/African-American, 0.012%; no homozygotes.

Submissions (2):

Labcorp Genetics (formerly Invitae), Labcorp
Classification: Uncertain significance for Lymphoproliferative syndrome 1. Last evaluated: 2023-12-07. Review status: criteria provided, single submitter. Criteria: Invitae Variant Classification Sherloc (09022015). Collection method: clinical testing. Allele origin: germline.
Comment: This sequence change replaces lysine, which is basic and polar, with arginine, which is basic and polar, at codon 579 of the ITK protein (p.Lys579Arg). This variant is present in population databases (rs764684422, gnomAD 0.02%). This variant has not been reported in the literature in individuals affected with ITK-related conditions. ClinVar contains an entry for this variant (Variation ID: 1499362). Advanced modeling of protein sequence and biophysical properties (such as structural, functional, and spatial information, amino acid conservation, physicochemical variation, residue mobility, and thermodynamic stability) performed at Invitae indicates that this missense variant is not expected to disrupt ITK protein function with a negative predictive value of 95%. In summary, the available evidence is currently insufficient to determine the role of this variant in disease. Therefore, it has been classified as a Variant of Uncertain Significance.

Dr. Peter K. Rogan Lab, Western University
No classification provided (evidence only). Condition: Uterine corpus endometrial carcinoma. Review status: no classification provided. Collection method: in vitro. Allele origin: not applicable. Functional consequence: retained intron. Not counted in ClinVar's aggregate classification.

NM_005546.4(ITK):c.1736A>G (p.Lys579Arg)

Gene: ITK (IL2 inducible T cell kinase; plus strand). Cytogenetic location: 5q33.3.
Variant type: single nucleotide variant.
Coding change: c.1736A>G on transcript NM_005546.4 (MANE Select); coding-DNA position 1736, A replaced by G.
Protein change: p.Lys579Arg; replaces lysine 579 with arginine.
Molecular consequence: missense variant.
Genome position (GRCh38, 1-based): chr5:157,248,952, A>G. VCF-style: chr5-157248952-A-G. GRCh37 (hg19) VCF-style: chr5-156675962-A-G.
Other names: short protein forms K579R.
Identifiers: ClinVar variation 1499362 (VCV001499362.8), dbSNP rs764684422, ClinGen allele CA3533180.